The following is an entry in ClinVar:

NM_001042492.3(NF1):c.7063-1G>C

Gene: NF1 (neurofibromin 1; plus strand). Cytogenetic location: 17q11.2.
Variant type: single nucleotide variant.
Coding change: c.7063-1G>C on transcript NM_001042492.3 (MANE Select); the canonical splice acceptor site of the intron before coding-DNA position 7063, G replaced by C.
Molecular consequence: splice acceptor variant.
Genome position (GRCh38, 1-based): chr17:31,343,008, G>C. VCF-style: chr17-31343008-G-C. GRCh37 (hg19) VCF-style: chr17-29670026-G-C.
Other names: c.7000-1G>C (NM_000267.4); c.7063-1G>C (NM_001042492.2).
Identifiers: ClinVar variation 996501 (VCV000996501.8), dbSNP rs1131691114, ClinGen allele CA399015497.

ClinVar aggregate classification (germline): Pathogenic. Review status: criteria provided, multiple submitters, no conflicts (2 of 4 stars). 3 submissions from 3 submitters: Pathogenic (3). Last evaluated 2024-01-18.
ClinVar aggregate classification (oncogenicity): Oncogenic (1 of 4 stars; one submission).

Conditions:
NF1-related disorder. Also called: NF1-related condition. Identifiers: MedGen CN379171.
Neurofibromatosis, type 1 (NF1). Also called: Neurofibromatosis, type I; VON RECKLINGHAUSEN DISEASE; NEUROFIBROMATOSIS, TYPE I, SOMATIC; Peripheral type neurofibromatosis. Identifiers: Orphanet 636, MedGen C0027831, MONDO:0018975, OMIM 162200. Disease mechanism: loss of function.
Neoplasm. Also called: Neoplasms; Neoplasm (disease); tumor. Identifiers: MedGen C0027651, MeSH D009369, MONDO:0005070, HP:0002664.

Allele frequency attached by ClinVar (database versions not stated): TOPMed below 0.00001.

Submissions (4):

Center for Genomic Medicine, Rigshospitalet, Copenhagen University Hospital
Classification: Oncogenic for Neoplasm. Last evaluated: 2025-12-29. Review status: criteria provided, single submitter. Criteria: ClinGen/CGC/VICC Guidelines for Oncogenicity, 2022. Collection method: clinical testing. Allele origin: somatic. Affected: yes.

Labcorp Genetics (formerly Invitae), Labcorp
Classification: Pathogenic for Neurofibromatosis, type 1. Last evaluated: 2024-01-18. Review status: criteria provided, single submitter. Criteria: Invitae Variant Classification Sherloc (09022015). Collection method: clinical testing. Allele origin: germline.
Comment: This sequence change affects an acceptor splice site in intron 46 of the NF1 gene. It is expected to disrupt RNA splicing. Variants that disrupt the donor or acceptor splice site typically lead to a loss of protein function (PMID: 16199547), and loss-of-function variants in NF1 are known to be pathogenic (PMID: 10712197, 23913538). This variant is not present in population databases (gnomAD no frequency). Disruption of this splice site has been observed in individuals with neurofibromatosis type 1 (PMID: 23913538, 26740943; Invitae). ClinVar contains an entry for this variant (Variation ID: 996501). Algorithms developed to predict the effect of sequence changes on RNA splicing suggest that this variant may disrupt the consensus splice site. For these reasons, this variant has been classified as Pathogenic.

PreventionGenetics, part of Exact Sciences
Classification: Pathogenic for NF1-related condition. Last evaluated: 2023-06-21. Review status: criteria provided, single submitter. Criteria: ACMG Guidelines, 2015. Collection method: clinical testing. Allele origin: germline.
Comment: The NF1 c.7063-1G>C variant is predicted to disrupt the AG splice acceptor site and interfere with normal splicing. This variant was reported in an individual with Neurofibromatosis 1 (reported as c.7000-1G>C in Table S2, Bianchessi et al. 2015. PubMed ID: 26740943). This variant has not been reported in a large population database, indicating this variant is rare. Variants that disrupt the consensus splice acceptor site in NF1 are expected to be pathogenic. This variant is interpreted as pathogenic.

Genome Diagnostics Laboratory, The Hospital for Sick Children
Classification: Pathogenic for Neurofibromatosis, type 1. Last evaluated: 2020-10-26. Review status: criteria provided, single submitter. Criteria: ACMG Guidelines, 2015. Collection method: clinical testing. Allele origin: germline. Affected: yes.

Literature cited by the submitters: PubMed 23913538 (cited by Center for Genomic Medicine, Rigshospitalet, Copenhagen University Hospital and Labcorp Genetics (formerly Invitae), Labcorp); PubMed 26740943 (cited by Center for Genomic Medicine, Rigshospitalet, Copenhagen University Hospital and Labcorp Genetics (formerly Invitae), Labcorp); PubMed 16199547 (cited by Labcorp Genetics (formerly Invitae), Labcorp); PubMed 10712197 (cited by Labcorp Genetics (formerly Invitae), Labcorp).